The following is an entry in ClinVar:

ClinVar aggregate classification (germline): Pathogenic/Likely pathogenic. Review status: criteria provided, multiple submitters, no conflicts (2 of 4 stars). 2 submissions from 2 submitters: Pathogenic (1); Likely pathogenic (1). Last evaluated 2024-02-01.

Conditions:
Hermansky-Pudlak syndrome (HPS). Also called: ALBINISM WITH HEMORRHAGIC DIATHESIS AND PIGMENTED RETICULOENDOTHELIAL CELLS. Identifiers: Orphanet 79430, MedGen C0079504, MONDO:0019312.

Submissions (2):

Labcorp Genetics (formerly Invitae), Labcorp
Classification: Pathogenic. Last evaluated: 2024-02-01. Review status: criteria provided, single submitter. Criteria: Invitae Variant Classification Sherloc (09022015). Collection method: clinical testing. Allele origin: germline.
Comment: This sequence change creates a premature translational stop signal (p.Gly550Glufs*2) in the HPS6 gene. While this is not anticipated to result in nonsense mediated decay, it is expected to disrupt the last 226 amino acid(s) of the HPS6 protein. This variant is not present in population databases (gnomAD no frequency). This premature translational stop signal has been observed in individual(s) with clinical features of Hermansky-Pudlak syndrome (PMID: 31064749). ClinVar contains an entry for this variant (Variation ID: 627257). This variant disrupts a region of the HPS6 protein in which other variant(s) (p.Arg667*) have been determined to be pathogenic (PMID: 33878481). This suggests that this is a clinically significant region of the protein, and that variants that disrupt it are likely to be disease-causing. For these reasons, this variant has been classified as Pathogenic.

NIHR Bioresource Rare Diseases, University of Cambridge
Classification: Likely pathogenic for Hermansky-Pudlak syndrome. Last evaluated: 2019-02-01. Review status: criteria provided, single submitter. Criteria: ACMG Guidelines, 2015. Collection method: research. Allele origin: unknown. Affected: yes. Observed: 1 compound heterozygote. Study: ThromboGenomics.

Literature cited by the submitters: PubMed 31064749 (cited by Labcorp Genetics (formerly Invitae), Labcorp and NIHR Bioresource Rare Diseases, University of Cambridge); PubMed 33878481 (cited by Labcorp Genetics (formerly Invitae), Labcorp).

NM_024747.6(HPS6):c.1649del (p.Gly550fs)

Gene: HPS6 (HPS6 biogenesis of lysosomal organelles complex 2 subunit 3; plus strand). Cytogenetic location: 10q24.32.
Variant type: Deletion.
Coding change: c.1649del on transcript NM_024747.6 (MANE Select); coding-DNA position 1649, one base deleted (G; older notation c.1649delG).
Protein change: p.Gly550fs; shifts the reading frame from glycine 550.
Molecular consequence: frameshift variant.
Genome position (GRCh38, 1-based): chr10:102,067,123, G deleted; the last of 5 consecutive G bases (chr10:102,067,119-102,067,123); deleting any one gives the same sequence. VCF-style (leftmost placement, unchanged base first): chr10-102067118-AG-A. GRCh37 (hg19) VCF-style: chr10-103826875-AG-A.
Other names: c.1649delG (NM_024747.5); short protein forms G550fs.
Identifiers: ClinVar variation 627257 (VCV000627257.4), dbSNP rs1590263820, ClinGen allele CA915947572.